The following is an entry in ClinVar:

ClinVar aggregate classification (germline): Uncertain significance. Review status: criteria provided, multiple submitters, no conflicts (2 of 4 stars). 2 submissions from 2 submitters: Uncertain significance (2). Last evaluated 2025-02-11.

Allele frequency attached by ClinVar (database versions not stated): TOPMed 0.00005.
gnomAD v4.1: 7 of 1,613,990 alleles (0.00043%); highest among the groups gnomAD compares: African/African-American, 0.0093%; no homozygotes.

Submissions (2):

Ambry Genetics
Classification: Uncertain significance. Last evaluated: 2025-02-11. Review status: criteria provided, single submitter. Criteria: Ambry Variant Classification Scheme 2023. Collection method: clinical testing. Allele origin: germline.

Labcorp Genetics (formerly Invitae), Labcorp
Classification: Uncertain significance. Last evaluated: 2025-01-26. Review status: criteria provided, single submitter. Criteria: Invitae Variant Classification Sherloc (09022015). Collection method: clinical testing. Allele origin: germline.
Comment: This sequence change replaces methionine, which is neutral and non-polar, with valine, which is neutral and non-polar, at codon 576 of the SLC7A14 protein (p.Met576Val). This variant is present in population databases (no rsID available, gnomAD 0.01%). This variant has not been reported in the literature in individuals affected with SLC7A14-related conditions. ClinVar contains an entry for this variant (Variation ID: 847766). An algorithm developed to predict the effect of missense changes on protein structure and function (PolyPhen-2) suggests that this variant is likely to be tolerated. In summary, the available evidence is currently insufficient to determine the role of this variant in disease. Therefore, it has been classified as a Variant of Uncertain Significance.

NM_020949.3(SLC7A14):c.1726A>G (p.Met576Val)

Genes: SLC7A14 (solute carrier family 7 member 14; minus strand), SLC7A14-AS1 (SLC7A14 antisense RNA 1; plus strand). Cytogenetic location: 3q26.2.
Variant type: single nucleotide variant.
Coding change: c.1726A>G on transcript NM_020949.3 (MANE Select); coding-DNA position 1726, A replaced by G.
Protein change: p.Met576Val; replaces methionine 576 with valine.
Molecular consequence: missense variant.
Genome position (GRCh38, 1-based): chr3:170,480,556, T>C on the plus strand (A>G on the coding strand, the complement: SLC7A14 is on the minus strand). VCF-style: chr3-170480556-T-C. GRCh37 (hg19) VCF-style: chr3-170198345-T-C.
Other names: short protein forms M576V.
Identifiers: ClinVar variation 847766 (VCV000847766.10), dbSNP rs1325093698, ClinGen allele CA355489478.
Genomic context (GRCh38, chr3:170,480,556, plus strand): 5'-ACCAGCTCTGCTCTGAGATGTAGTCAGAACCAAAGATGATGAAGGAGCAGAAGATGAACA[T>C]GAGGATGAAGAGCAGGAGCACGCAGATGGTCACCGTGTGCCCCGTCGCTGCTGTGGGCCG-3'
Protein context (NP_066000.2, residues 566-586): TICVLLLFIL[Met576Val]FIFCSFIIFG